The following is an entry in ClinVar:

ClinVar aggregate classification (germline): Uncertain significance. Review status: criteria provided, multiple submitters, no conflicts (2 of 4 stars). 3 submissions from 3 submitters: Uncertain significance (3). Last evaluated 2025-10-21.

Conditions:
Hereditary cancer-predisposing syndrome. Also called: Neoplastic Syndromes, Hereditary; Tumor predisposition; Hereditary Cancer Syndrome; Hereditary neoplastic syndrome. Identifiers: Orphanet 140162, MedGen C0027672, MeSH D009386, MONDO:0015356.
Hereditary nonpolyposis colorectal neoplasms. Identifiers: MedGen C0009405, MeSH D003123.

Allele frequency attached by ClinVar (database versions not stated): TOPMed below 0.00001.

Submissions (3):

Ambry Genetics
Classification: Uncertain significance for Hereditary cancer-predisposing syndrome. Last evaluated: 2025-10-21. Review status: criteria provided, single submitter. Criteria: Ambry Variant Classification Scheme 2023. Collection method: clinical testing. Allele origin: germline.
Comment: The p.S793N variant (also known as c.2378G>A), located in coding exon 14 of the PMS2 gene, results from a G to A substitution at nucleotide position 2378. The serine at codon 793 is replaced by asparagine, an amino acid with highly similar properties. This amino acid position is conserved. In addition, this alteration is predicted to be tolerated by in silico analysis. Based on the available evidence, the clinical significance of this variant remains unclear.

Labcorp Genetics (formerly Invitae), Labcorp
Classification: Uncertain significance for Hereditary nonpolyposis colorectal neoplasms. Last evaluated: 2024-09-08. Review status: criteria provided, single submitter. Criteria: Invitae Variant Classification Sherloc (09022015). Collection method: clinical testing. Allele origin: germline.
Comment: This sequence change replaces serine, which is neutral and polar, with asparagine, which is neutral and polar, at codon 793 of the PMS2 protein (p.Ser793Asn). The frequency data for this variant in the population databases (gnomAD) is considered unreliable due to the presence of homologous sequence, such as pseudogenes or paralogs, in the genome. This variant has not been reported in the literature in individuals affected with PMS2-related conditions. ClinVar contains an entry for this variant (Variation ID: 640647). Invitae Evidence Modeling of protein sequence and biophysical properties (such as structural, functional, and spatial information, amino acid conservation, physicochemical variation, residue mobility, and thermodynamic stability) indicates that this missense variant is not expected to disrupt PMS2 protein function with a negative predictive value of 80%. In summary, the available evidence is currently insufficient to determine the role of this variant in disease. Therefore, it has been classified as a Variant of Uncertain Significance.

GeneDx
Classification: Uncertain significance. Last evaluated: 2023-05-12. Review status: criteria provided, single submitter. Criteria: GeneDx Variant Classification Process June 2021. Collection method: clinical testing. Allele origin: germline. Affected: yes.
Comment: Not observed at significant frequency in large population cohorts (gnomAD); In silico analysis supports that this missense variant does not alter protein structure/function; Has not been previously published as pathogenic or benign to our knowledge; This variant is associated with the following publications: (PMID: Fukui2011[Chapter])

NM_000535.7(PMS2):c.2378G>A (p.Ser793Asn)

Gene: PMS2 (PMS1 homolog 2, mismatch repair system component; minus strand). Cytogenetic location: 7p22.1.
Variant type: single nucleotide variant.
Coding change: c.2378G>A on transcript NM_000535.7 (MANE Select); coding-DNA position 2378, G replaced by A.
Protein change: p.Ser793Asn; replaces serine 793 with asparagine.
Molecular consequence: missense variant. On other transcripts: non-coding transcript variant (1).
Genome position (GRCh38, 1-based): chr7:5,977,655, C>T on the plus strand (G>A on the coding strand, the complement: PMS2 is on the minus strand). VCF-style: chr7-5977655-C-T. GRCh37 (hg19) VCF-style: chr7-6017286-C-T.
Other names: c.1973G>A, p.Ser658Asn (NM_001322003.2, NM_001322004.2, NM_001322005.2); c.2222G>A, p.Ser741Asn (NM_001322006.2); c.2060G>A, p.Ser687Asn (NM_001322007.2, NM_001322008.2); c.2006G>A, p.Ser669Asn (NM_001322009.2); c.1817G>A, p.Ser606Asn (NM_001322010.2); c.1445G>A, p.Ser482Asn (NM_001322011.2, NM_001322012.2); c.1805G>A, p.Ser602Asn (NM_001322013.2); c.2411G>A, p.Ser804Asn (NM_001322014.2); and 1 more; short protein forms S741N, S804N, S602N, S606N, S658N, S687N, S482N, S669N.
Identifiers: ClinVar variation 640647 (VCV000640647.8), dbSNP rs1583280432, ClinGen allele CA366735763.